The following is an entry in ClinVar:

NM_000334.4(SCN4A):c.1559C>T (p.Pro520Leu)

Gene: SCN4A (sodium voltage-gated channel alpha subunit 4; minus strand). Cytogenetic location: 17q23.3.
Variant type: single nucleotide variant.
Coding change: c.1559C>T on transcript NM_000334.4 (MANE Select); coding-DNA position 1559, C replaced by T.
Protein change: p.Pro520Leu; replaces proline 520 with leucine.
Molecular consequence: missense variant.
Genome position (GRCh38, 1-based): chr17:63,963,719, G>A on the plus strand (C>T on the coding strand, the complement: SCN4A is on the minus strand). VCF-style: chr17-63963719-G-A. GRCh37 (hg19) VCF-style: chr17-62041079-G-A.
Other names: short protein forms P520L.
Identifiers: ClinVar variation 663353 (VCV000663353.12), dbSNP rs753391449, ClinGen allele CA8709813.

ClinVar aggregate classification (germline): Uncertain significance. Review status: criteria provided, multiple submitters, no conflicts (2 of 4 stars). 4 submissions from 4 submitters: Uncertain significance (4). Last evaluated 2025-02-25.

Conditions:
Congenital myasthenic syndrome 16. Identifiers: Orphanet 590, MedGen C3280112, MONDO:0013620, OMIM 614198.
Hyperkalemic periodic paralysis. Also called: Familial hyperkalemic periodic paralysis; Gamstorp disease. Identifiers: Orphanet 682, MedGen C0238357, MONDO:0008224, OMIM 170500, HP:0007215.
Inborn genetic diseases. Identifiers: MedGen C0950123, MeSH D030342.

Allele frequency attached by ClinVar (database versions not stated): gnomAD 0.00001; ExAC 0.00002; gnomAD exomes 0.00002; TOPMed 0.00002.
gnomAD v4.1: 49 of 1,600,998 alleles (0.0031%); highest among the groups gnomAD compares: Non-Finnish European, 0.0039%; no homozygotes.

Submissions (4):

Ambry Genetics
Classification: Uncertain significance for Inborn genetic diseases. Last evaluated: 2025-02-25. Review status: criteria provided, single submitter. Criteria: Ambry Variant Classification Scheme 2023. Collection method: clinical testing. Allele origin: germline.

Labcorp Genetics (formerly Invitae), Labcorp
Classification: Uncertain significance for Hyperkalemic periodic paralysis. Last evaluated: 2024-12-13. Review status: criteria provided, single submitter. Criteria: Invitae Variant Classification Sherloc (09022015). Collection method: clinical testing. Allele origin: germline.
Comment: This sequence change replaces proline, which is neutral and non-polar, with leucine, which is neutral and non-polar, at codon 520 of the SCN4A protein (p.Pro520Leu). The frequency data for this variant in the population databases is considered unreliable, as metrics indicate poor data quality at this position in the gnomAD database. This variant has not been reported in the literature in individuals affected with SCN4A-related conditions. ClinVar contains an entry for this variant (Variation ID: 663353). Invitae Evidence Modeling of protein sequence and biophysical properties (such as structural, functional, and spatial information, amino acid conservation, physicochemical variation, residue mobility, and thermodynamic stability) indicates that this missense variant is not expected to disrupt SCN4A protein function with a negative predictive value of 95%. In summary, the available evidence is currently insufficient to determine the role of this variant in disease. Therefore, it has been classified as a Variant of Uncertain Significance.

Baylor Genetics
Classification: Uncertain significance for Congenital myasthenic syndrome 16. Last evaluated: 2023-12-13. Review status: criteria provided, single submitter. Criteria: ACMG Guidelines, 2015. Collection method: clinical testing. Allele origin: unknown.

Breakthrough Genomics
Classification: Uncertain significance. Review status: criteria provided, single submitter. Criteria: ACMG Guidelines, 2015. Collection method: not provided. Allele origin: germline. Inheritance: Autosomal recessive inheritance. Affected: yes.